The following is an entry in ClinVar:

NM_000256.3(MYBPC3):c.1927+424C>T

Gene: MYBPC3 (myosin binding protein C3; minus strand). Cytogenetic location: 11p11.2.
Variant type: single nucleotide variant.
Coding change: c.1927+424C>T on transcript NM_000256.3 (MANE Select); 424 bases into the intron after coding-DNA position 1927, C replaced by T.
Molecular consequence: intron variant.
Genome position (GRCh38, 1-based): chr11:47,340,579, G>A on the plus strand (C>T on the coding strand, the complement: MYBPC3 is on the minus strand). VCF-style: chr11-47340579-G-A. GRCh37 (hg19) VCF-style: chr11-47362130-G-A.
Identifiers: ClinVar variation 2672465 (VCV002672465.23), dbSNP rs906944826, ClinGen allele CA221693338.
Genomic context (GRCh38, chr11:47,340,579, plus strand): 5'-TAGCTGGGCATGGTGGCGGGCGCCTGTAGTCCCAGCTACTCAGGAGGCTGAGGCAGGAGA[G>A]TGGTGTGAACCTGGGAGGCGGAGCTTGCAGTGAGCCGAGATCGCGCCACTTCTCTCCAGC-3'

ClinVar aggregate classification (germline): Uncertain significance (1 of 4 stars; one submission).

Allele frequency attached by ClinVar (database versions not stated): gnomAD 0.00003; TOPMed 0.00005.
gnomAD v4.1: 5 of 152,178 alleles (0.0033%); highest among the groups gnomAD compares: Non-Finnish European, 0.0073%; no homozygotes.

Submission:

CeGaT Center for Human Genetics Tuebingen
Classification: Uncertain significance. Last evaluated: 2023-11-01. Review status: criteria provided, single submitter. Criteria: CeGaT Center For Human Genetics Tuebingen Variant Classification Criteria Version 2. Collection method: clinical testing. Allele origin: germline. Affected: yes. Observed: 1 variant allele.
Comment: MYBPC3: PM2:Supporting